The following is an entry in ClinVar:

ClinVar aggregate classification (germline): Likely benign (1 of 4 stars; one submission).

Allele frequency attached by ClinVar (database versions not stated): ExAC 0.00001; gnomAD 0.00001; TOPMed 0.00003.

Submission:

CeGaT Center for Human Genetics Tuebingen
Classification: Likely benign. Last evaluated: 2022-07-01. Review status: criteria provided, single submitter. Criteria: CeGaT Center For Human Genetics Tuebingen Variant Classification Criteria Version 2. Collection method: clinical testing. Allele origin: germline. Affected: yes. Observed: 1 variant allele.
Comment: DNAJB5: BP4, BP7

NM_001349723.3(DNAJB5):c.942C>T (p.Ile314=)

Gene: DNAJB5 (DnaJ heat shock protein family (Hsp40) member B5; plus strand). Cytogenetic location: 9p13.3.
Variant type: single nucleotide variant.
Coding change: c.942C>T on transcript NM_001349723.3 (MANE Select); coding-DNA position 942, C replaced by T.
Protein change: p.Ile314=; no amino-acid change (isoleucine 314 retained).
Molecular consequence: synonymous variant.
Genome position (GRCh38, 1-based): chr9:34,996,779, C>T. VCF-style: chr9-34996779-C-T. GRCh37 (hg19) VCF-style: chr9-34996776-C-T.
Other names: c.828C>T, p.Ile276= (NM_001135004.3, NM_001349725.2); c.942C>T, p.Ile314= (NM_001135005.3); c.726C>T, p.Ile242= (NM_001349724.2, NM_012266.6).
Identifiers: ClinVar variation 1701569 (VCV001701569.31), dbSNP rs746489244, ClinGen allele CA5038242.
Genomic context (GRCh38, chr9:34,996,779, plus strand): 5'-CACCAAGATCACCTTCCCCAAAGAAGGCGACGCCACACCTGACAACATCCCTGCTGACAT[C>T]GTCTTTGTGCTCAAAGACAAGCCCCATGCACACTTCCGCCGAGATGGCACCAACGTGCTC-3'
Protein context (NP_001336652.1, residues 304-324): DATPDNIPAD[Ile314=]VFVLKDKPHA